The following is an entry in ClinVar:

ClinVar aggregate classification (germline): Uncertain significance (1 of 4 stars; one submission).

Conditions:
Ataxia-telangiectasia syndrome (AT). Also called: LOUIS-BAR SYNDROME; Cerebello-oculocutaneous telangiectasia; Immunodeficiency with ataxia telangiectasia; Ataxia-telangiectasia, complementation group D; AT, COMPLEMENTATION GROUP C; Ataxia-telangiectasia, complementation group E. Identifiers: Orphanet 100, MedGen C0004135, MONDO:0008840, OMIM 208900.

Submission:

Labcorp Genetics (formerly Invitae), Labcorp
Classification: Uncertain significance for Ataxia-telangiectasia syndrome. Last evaluated: 2017-05-21. Review status: criteria provided, single submitter. Criteria: Invitae Variant Classification Sherloc (09022015). Collection method: clinical testing. Allele origin: germline.
Comment: In summary, this variant has uncertain impact on ATM function. The available evidence is currently insufficient to determine its role in disease. Therefore, it has been classified as a Variant of Uncertain Significance. Algorithms developed to predict the effect of missense changes on protein structure and function do not agree on the potential impact of this missense change (SIFT: "Deleterious"; PolyPhen-2: "Possibly Damaging"; Align-GVGD: "Class C0"). This variant has not been reported in the literature in individuals with a ATM-related disease. This variant is not present in population databases (ExAC no frequency). This sequence change replaces methionine with leucine at codon 2728 of the ATM protein (p.Met2728Leu). The methionine residue is highly conserved and there is a small physicochemical difference between methionine and leucine.

NM_000051.4(ATM):c.8182A>T (p.Met2728Leu)

Genes: ATM (ATM serine/threonine kinase; plus strand), C11orf65 (chromosome 11 open reading frame 65; minus strand). Cytogenetic location: 11q22.3.
Variant type: single nucleotide variant.
Coding change: c.8182A>T on transcript NM_000051.4 (MANE Select); coding-DNA position 8182, A replaced by T.
Protein change: p.Met2728Leu; replaces methionine 2728 with leucine.
Molecular consequence: missense variant. On other transcripts: intron variant (2).
Genome position (GRCh38, 1-based): chr11:108,335,875, A>T. VCF-style: chr11-108335875-A-T. GRCh37 (hg19) VCF-style: chr11-108206602-A-T.
Other names: c.641-26804T>A (NM_001330368.2); c.695-583T>A (NM_001351110.2); c.8182A>T, p.Met2728Leu (NM_001351834.2); short protein forms M2728L.
Identifiers: ClinVar variation 453721 (VCV000453721.8), dbSNP rs1555128338, ClinGen allele CA382562517.